The following is an entry in ClinVar:

ClinVar aggregate classification (germline): Uncertain significance (1 of 4 stars; one submission).

Submission:

GeneDx
Classification: Uncertain significance. Last evaluated: 2023-08-15. Review status: criteria provided, single submitter. Criteria: GeneDx Variant Classification Process June 2021. Collection method: clinical testing. Allele origin: germline. Affected: yes.
Comment: Not observed at significant frequency in large population cohorts (gnomAD); In silico analysis supports that this missense variant has a deleterious effect on protein structure/function; Has not been previously published as pathogenic or benign to our knowledge

NM_001134232.2(TMEM106B):c.192T>G (p.Cys64Trp)

Gene: TMEM106B (transmembrane protein 106B; plus strand). Cytogenetic location: 7p21.3.
Variant type: single nucleotide variant.
Coding change: c.192T>G on transcript NM_001134232.2 (MANE Select); coding-DNA position 192, T replaced by G.
Protein change: p.Cys64Trp; replaces cysteine 64 with tryptophan.
Molecular consequence: missense variant.
Genome position (GRCh38, 1-based): chr7:12,215,002, T>G. VCF-style: chr7-12215002-T-G. GRCh37 (hg19) VCF-style: chr7-12254628-T-G.
Other names: c.192T>G, p.Cys64Trp (NM_018374.4); short protein forms C64W.
Identifiers: ClinVar variation 2446679 (VCV002446679.3), dbSNP rs2534902639, ClinGen allele CA366853858.